The following is an entry in ClinVar:

NM_000218.3(KCNQ1):c.225T>C (p.Val75=)

Gene: KCNQ1 (potassium voltage-gated channel subfamily Q member 1; plus strand). Cytogenetic location: 11p15.5.
Variant type: single nucleotide variant.
Coding change: c.225T>C on transcript NM_000218.3 (MANE Select); coding-DNA position 225, T replaced by C.
Protein change: p.Val75=; no amino-acid change (valine 75 retained).
Molecular consequence: synonymous variant.
Genome position (GRCh38, 1-based): chr11:2,445,323, T>C. VCF-style: chr11-2445323-T-C. GRCh37 (hg19) VCF-style: chr11-2466553-T-C.
Identifiers: ClinVar variation 163732 (VCV000163732.24), dbSNP rs367817352, ClinGen allele CA006736.
Genomic context (GRCh38, chr11:2,445,323, plus strand): 5'-GCCCGGCGCCCCAGGTCCCGCGCCCCCTGCGTCCCCGGCCGCGCCCGCCGCGCCCCCAGT[T>C]GCCTCCGACCTTGGCCCGCGGCCGCCGGTGAGCCTAGACCCGCGCGTCTCCATCTACAGC-3'
Protein context (NP_000209.2, residues 65-85): ASPAAPAAPP[Val75=]ASDLGPRPPV

ClinVar aggregate classification (germline): Conflicting classifications of pathogenicity. Review status: criteria provided, conflicting classifications (1 of 4 stars). 7 submissions from 7 submitters: Uncertain significance (1); Benign (1); Likely benign (4). 1 of the submissions does not count toward it. Last evaluated 2026-02-03.

Conditions:
Cardiovascular phenotype. Identifiers: MedGen CN230736.
Long QT syndrome (LQTS). Identifiers: MedGen C0023976, MeSH D008133, MONDO:0002442. Disease mechanism: loss of function. Inheritance: Various modes of inheritance.
KCNQ1-related disorder. Also called: KCNQ1-related disorders; KCNQ1-related condition. Identifiers: MedGen CN239322.

Allele frequency attached by ClinVar (database versions not stated): TOPMed 0.00002; gnomAD exomes 0.00006; ExAC 0.00020; 1000 Genomes Project 0.00040; 1000 Genomes Project 30x 0.00062.
gnomAD v4.1: 70 of 1,538,554 alleles (0.0045%); highest among the groups gnomAD compares: East Asian, 0.047%; no homozygotes.

Submissions (7):

Labcorp Genetics (formerly Invitae), Labcorp
Classification: Likely benign for Long QT syndrome. Last evaluated: 2026-02-03. Review status: criteria provided, single submitter. Criteria: Invitae Variant Classification Sherloc (09022015). Collection method: clinical testing. Allele origin: germline.

Blueprint Genetics
Classification: Likely benign. Last evaluated: 2024-08-15. Review status: criteria provided, single submitter. Criteria: ACMG Guidelines, 2015. Collection method: clinical testing. Allele origin: germline.

Revvity Omics, Revvity
Classification: Uncertain significance. Last evaluated: 2022-02-01. Review status: criteria provided, single submitter. Criteria: ACMG Guidelines, 2015. Collection method: clinical testing. Allele origin: germline.

Ambry Genetics
Classification: Likely benign for Cardiovascular phenotype. Last evaluated: 2017-10-05. Review status: criteria provided, single submitter. Criteria: Ambry Variant Classification Scheme 2023. Collection method: clinical testing. Allele origin: germline.

GeneDx
Classification: Benign. Last evaluated: 2016-10-04. Review status: criteria provided, single submitter. Criteria: GeneDx Variant Classification (06012015). Collection method: clinical testing. Allele origin: germline. Affected: yes.
Comment: This variant is considered likely benign or benign based on one or more of the following criteria: it is a conservative change, it occurs at a poorly conserved position in the protein, it is predicted to be benign by multiple in silico algorithms, and/or has population frequency not consistent with disease.

Laboratory for Molecular Medicine, Mass General Brigham Personalized Medicine
Classification: Likely benign. Last evaluated: 2013-04-10. Review status: criteria provided, single submitter. Criteria: LMM Criteria. Collection method: clinical testing. Allele origin: germline. Observed: 1 variant allele.
Comment: The Val75Val variant in exon 1 of KCNQ1: This variant is not expected to have cl inical significance because it does not alter an amino acid residue and is not l ocated within the splice consensus sequence.

PreventionGenetics, part of Exact Sciences
Classification: Likely benign for KCNQ1-related condition. Last evaluated: 2019-07-13. Review status: no assertion criteria provided. Collection method: clinical testing. Allele origin: germline. Not counted in ClinVar's aggregate classification.
Comment: This variant is classified as likely benign based on ACMG/AMP sequence variant interpretation guidelines (Richards et al. 2015 PMID: 25741868, with internal and published modifications).